The following is an entry in ClinVar:

ClinVar aggregate classification (germline): Uncertain significance. Review status: criteria provided, multiple submitters, no conflicts (2 of 4 stars). 3 submissions from 3 submitters: Uncertain significance (3). Last evaluated 2024-04-25.

Conditions:
Charcot-Marie-Tooth disease axonal type 2O. Also called: Charcot-Marie-Tooth Neuropathy Type 2O; Charcot-Marie-Tooth disease, axonal, type 20; CHARCOT-MARIE-TOOTH NEUROPATHY, AXONAL, TYPE 2O; CHARCOT-MARIE-TOOTH DISEASE, AXONAL, AUTOSOMAL DOMINANT, TYPE 2O. Identifiers: Orphanet 284232, MedGen C3280220, MONDO:0013644, OMIM 614228.

Allele frequency attached by ClinVar (database versions not stated): gnomAD exomes below 0.00001; gnomAD 0.00001.
gnomAD v4.1: 6 of 1,614,200 alleles (0.00037%); highest among the groups gnomAD compares: Non-Finnish European, 0.00042%; no homozygotes.

Submissions (3):

Labcorp Genetics (formerly Invitae), Labcorp
Classification: Uncertain significance for Charcot-Marie-Tooth disease axonal type 2O. Last evaluated: 2024-04-25. Review status: criteria provided, single submitter. Criteria: Invitae Variant Classification Sherloc (09022015). Collection method: clinical testing. Allele origin: germline.
Comment: This sequence change replaces glutamic acid, which is acidic and polar, with lysine, which is basic and polar, at codon 3726 of the DYNC1H1 protein (p.Glu3726Lys). This variant is not present in population databases (gnomAD no frequency). This variant has not been reported in the literature in individuals affected with DYNC1H1-related conditions. ClinVar contains an entry for this variant (Variation ID: 1360884). Advanced modeling of protein sequence and biophysical properties (such as structural, functional, and spatial information, amino acid conservation, physicochemical variation, residue mobility, and thermodynamic stability) performed at Invitae indicates that this missense variant is not expected to disrupt DYNC1H1 protein function with a negative predictive value of 95%. In summary, the available evidence is currently insufficient to determine the role of this variant in disease. Therefore, it has been classified as a Variant of Uncertain Significance.

CeGaT Center for Human Genetics Tuebingen
Classification: Uncertain significance. Last evaluated: 2023-04-01. Review status: criteria provided, single submitter. Criteria: CeGaT Center For Human Genetics Tuebingen Variant Classification Criteria Version 2. Collection method: clinical testing. Allele origin: germline. Affected: yes. Observed: 1 variant allele.
Comment: DYNC1H1: PM2, PP2

Revvity Omics, Revvity
Classification: Uncertain significance. Last evaluated: 2021-12-22. Review status: criteria provided, single submitter. Criteria: ACMG Guidelines, 2015. Collection method: clinical testing. Allele origin: germline.

NM_001376.5(DYNC1H1):c.11176G>A (p.Glu3726Lys)

Gene: DYNC1H1 (dynein cytoplasmic 1 heavy chain 1; plus strand). Cytogenetic location: 14q32.31.
Variant type: single nucleotide variant.
Coding change: c.11176G>A on transcript NM_001376.5 (MANE Select); coding-DNA position 11176, G replaced by A.
Protein change: p.Glu3726Lys; replaces glutamic acid 3726 with lysine.
Molecular consequence: missense variant.
Genome position (GRCh38, 1-based): chr14:102,038,818, G>A. VCF-style: chr14-102038818-G-A. GRCh37 (hg19) VCF-style: chr14-102505155-G-A.
Other names: short protein forms E3726K.
Identifiers: ClinVar variation 1360884 (VCV001360884.35), dbSNP rs2048608186, ClinGen allele CA391032696.